The following is an entry in ClinVar:

NM_004629.2(FANCG):c.1653del (p.His553fs)

Gene: FANCG (FA complementation group G; minus strand). Cytogenetic location: 9p13.3.
Variant type: Deletion.
Coding change: c.1653del on transcript NM_004629.2 (MANE Select); coding-DNA position 1653, one base deleted (C; older notation c.1653delC).
Protein change: p.His553fs; shifts the reading frame from histidine 553.
Molecular consequence: frameshift variant.
Genome position (GRCh38, 1-based): chr9:35,074,478, G deleted on the plus strand (C on the coding strand, the reverse complement: FANCG is on the minus strand). VCF-style (leftmost placement, unchanged base first): chr9-35074477-AG-A. GRCh37 (hg19) VCF-style: chr9-35074474-AG-A.
Other names: short protein forms H553fs.
Identifiers: ClinVar variation 2192133 (VCV002192133.6), dbSNP rs1187674541, ClinGen allele CA587568835.

ClinVar aggregate classification (germline): Pathogenic/Likely pathogenic. Review status: criteria provided, multiple submitters, no conflicts (2 of 4 stars). 3 submissions from 3 submitters: Pathogenic (1); Likely pathogenic (2). Last evaluated 2024-10-08.

Conditions:
Fanconi anemia (FA). Also called: Fanconi's anemia. Identifiers: Orphanet 84, MedGen C0015625, MeSH D005199, MONDO:0019391.
FANCG-related disorders.
Fanconi anemia complementation group G. Also called: Fanconi anemia group G; FANCG-Related Fanconi Anemia. Identifiers: Orphanet 84, MedGen C3469527, MONDO:0013565, OMIM 614082.

Allele frequency attached by ClinVar (database versions not stated): TOPMed 0.00001.

Submissions (3):

Natera, Inc.
Classification: Likely pathogenic for Fanconi anemia group G. Last evaluated: 2024-10-08. Review status: criteria provided, single submitter. Criteria: Natera Variant Classification Schema (03/2026). Collection method: clinical testing. Allele origin: germline.
Comment: The c.1653delC variant in FANCG is a frameshift variant predicted to shift the reading frame beginning at codon 553 and leads to a stop codon 6 codons downstream. This variant is expected to result in nonsense mediated decay, truncation, or a dysfunctional protein product. This variant is rare in the general population with a frequency below the threshold expected for the associated phenotype(s). Given the available evidence, this variant is classified as Likely Pathogenic.

Labcorp Genetics (formerly Invitae), Labcorp
Classification: Pathogenic for Fanconi anemia. Last evaluated: 2022-05-31. Review status: criteria provided, single submitter. Criteria: Invitae Variant Classification Sherloc (09022015). Collection method: clinical testing. Allele origin: germline.
Comment: This variant is present in population databases (no rsID available, gnomAD no frequency). This variant has not been reported in the literature in individuals affected with FANCG-related conditions. For these reasons, this variant has been classified as Pathogenic. This sequence change creates a premature translational stop signal (p.His553Thrfs*6) in the FANCG gene. It is expected to result in an absent or disrupted protein product. Loss-of-function variants in FANCG are known to be pathogenic (PMID: 12552564).

Blueprint Genetics
Classification: Likely pathogenic for FANCG-related disorders. Last evaluated: 2019-10-22. Review status: criteria provided, single submitter. Criteria: ACMG Guidelines, 2015. Collection method: clinical testing. Allele origin: germline. Affected: yes. Observed: 2 variant alleles.

Literature cited by the submitters: PubMed 12552564 (cited by Labcorp Genetics (formerly Invitae), Labcorp).